The following is an entry in ClinVar:

NM_005188.4(CBL):c.859A>G (p.Lys287Glu)

Gene: CBL (Cbl proto-oncogene; plus strand). Cytogenetic location: 11q23.3.
Variant type: single nucleotide variant.
Coding change: c.859A>G on transcript NM_005188.4 (MANE Select); coding-DNA position 859, A replaced by G.
Protein change: p.Lys287Glu; replaces lysine 287 with glutamic acid.
Molecular consequence: missense variant.
Genome position (GRCh38, 1-based): chr11:119,274,943, A>G. VCF-style: chr11-119274943-A-G. GRCh37 (hg19) VCF-style: chr11-119145653-A-G.
Other names: short protein forms K287E.
Identifiers: ClinVar variation 4825165 (VCV004825165.1).

ClinVar aggregate classification (germline): Uncertain significance (1 of 4 stars; one submission).

Conditions:
Cardiovascular phenotype. Identifiers: MedGen CN230736.

Submission:

Ambry Genetics
Classification: Uncertain significance for Cardiovascular phenotype. Last evaluated: 2026-01-18. Review status: criteria provided, single submitter. Criteria: Ambry Variant Classification Scheme 2023. Collection method: clinical testing. Allele origin: germline.
Comment: The p.K287E variant (also known as c.859A>G), located in coding exon 5 of the CBL gene, results from an A to G substitution at nucleotide position 859. The lysine at codon 287 is replaced by glutamic acid, an amino acid with similar properties. This amino acid position is conserved. In addition, this alteration is predicted to be deleterious by in silico analysis. Based on the available evidence, the clinical significance of this variant remains unclear.